The following is an entry in ClinVar:

ClinVar aggregate classification (germline): Uncertain significance (1 of 4 stars; one submission).

gnomAD v4.1: 1 of 1,612,818 alleles (0.000062%); highest among the groups gnomAD compares: Non-Finnish European, 0.000085%; no homozygotes.

Submission:

GeneDx
Classification: Uncertain significance. Last evaluated: 2025-02-05. Review status: criteria provided, single submitter. Criteria: GeneDx Variant Classification Process June 2021. Collection method: clinical testing. Allele origin: germline. Affected: yes.
Comment: Not observed at significant frequency in large population cohorts (gnomAD); In silico analysis supports that this missense variant has a deleterious effect on protein structure/function; Has not been previously published as pathogenic or benign to our knowledge

NM_000809.4(GABRA4):c.376A>G (p.Lys126Glu)

Gene: GABRA4 (gamma-aminobutyric acid type A receptor subunit alpha4; minus strand). Cytogenetic location: 4p12.
Variant type: single nucleotide variant.
Coding change: c.376A>G on transcript NM_000809.4 (MANE Select); coding-DNA position 376, A replaced by G.
Protein change: p.Lys126Glu; replaces lysine 126 with glutamic acid.
Molecular consequence: missense variant.
Genome position (GRCh38, 1-based): chr4:46,977,528, T>C on the plus strand (A>G on the coding strand, the complement: GABRA4 is on the minus strand). VCF-style: chr4-46977528-T-C. GRCh37 (hg19) VCF-style: chr4-46979545-T-C.
Other names: c.319A>G, p.Lys107Glu (NM_001204266.2, NM_001204267.2); short protein forms K107E, K126E.
Identifiers: ClinVar variation 4074648 (VCV004074648.1).